The following is an entry in ClinVar:

ClinVar aggregate classification (germline): Uncertain significance. Review status: criteria provided, multiple submitters, no conflicts (2 of 4 stars). 3 submissions from 3 submitters: Uncertain significance (2). 1 of the submissions does not count toward it. Last evaluated 2022-11-22.

Conditions:
NSD1-related disorder. Also called: NSD1-related condition.

Submissions (3):

GeneDx
Classification: Uncertain significance. Last evaluated: 2022-11-22. Review status: criteria provided, single submitter. Criteria: GeneDx Variant Classification Process June 2021. Collection method: clinical testing. Allele origin: germline. Affected: yes.
Comment: Nonsense variant predicted to result in protein truncation or nonsense mediated decay in a gene for which loss-of-function is a known mechanism of disease; Has not been previously published as pathogenic or benign to our knowledge

Labcorp Genetics (formerly Invitae), Labcorp
Classification: Uncertain significance. Last evaluated: 2021-11-15. Review status: criteria provided, single submitter. Criteria: Invitae Variant Classification Sherloc (09022015). Collection method: clinical testing. Allele origin: germline.
Comment: This variant is not present in population databases (gnomAD no frequency). This variant has not been reported in the literature in individuals affected with NSD1-related conditions. In summary, the available evidence is currently insufficient to determine the role of this variant in disease. Therefore, it has been classified as a Variant of Uncertain Significance. This sequence change creates a premature translational stop signal (p.Ser217*) in the NSD1 gene. However, it is currently unclear if variants that occur in this region of the gene cause disease.

PreventionGenetics, part of Exact Sciences
Classification: Uncertain significance for NSD1-related condition. Last evaluated: 2023-11-30. Review status: no assertion criteria provided. Collection method: clinical testing. Allele origin: germline. Not counted in ClinVar's aggregate classification.
Comment: The NSD1 c.649_650delAG variant is predicted to result in premature protein termination (p.Ser217*). To our knowledge, this variant has not been reported in the literature. This variant is reported in 0.0054% of alleles in individuals of East Asian descent in gnomAD. Although we suspect that this variant may be pathogenic, at this time, the clinical significance of this variant is uncertain due to the absence of conclusive functional and genetic evidence.

NM_022455.5(NSD1):c.649_650del (p.Glu216_Ser217insTer)

Gene: NSD1 (nuclear receptor binding SET domain protein 1; plus strand). Cytogenetic location: 5q35.3.
Variant type: Microsatellite.
Coding change: c.649_650del on transcript NM_022455.5 (MANE Select); coding-DNA positions 649 to 650, 2 bases deleted (AG; older notation c.649_650delAG).
Protein change: p.Glu216_Ser217insTer.
Molecular consequence: nonsense. On other transcripts: frameshift variant (2), intron variant (8).
Genome position (GRCh38, 1-based): chr5:177,135,752-177,135,753, AG deleted; deleting any 2 consecutive bases within chr5:177,135,748-177,135,753 gives the same sequence; the c. name uses the placement nearest the transcript's 3' end. VCF-style (leftmost placement, unchanged base first): chr5-177135747-CAG-C. GRCh37 (hg19) VCF-style: chr5-176562748-CAG-C.
Other names: c.649_650del (NM_022455.4); c.649_650del, p.Glu216_Ser217insTer (NM_001409301.1, NM_001409302.1, NM_001409303.1); c.645_646AG[2], p.Ser217Terfs (NM_022455.4); c.418-193AG[2] (NM_001409304.1); c.-36-193AG[2] (NM_001409305.1, NM_001409306.1, NM_001409308.1 and 4 more transcripts).
Identifiers: ClinVar variation 1507977 (VCV001507977.10), dbSNP rs1562098870, ClinGen allele CA917647843.